The following is an entry in ClinVar:

ClinVar aggregate classification (germline): Uncertain significance (1 of 4 stars; one submission).

Submission:

Labcorp Genetics (formerly Invitae), Labcorp
Classification: Uncertain significance. Last evaluated: 2024-10-21. Review status: criteria provided, single submitter. Criteria: Invitae Variant Classification Sherloc (09022015). Collection method: clinical testing. Allele origin: germline.
Comment: This sequence change replaces lysine, which is basic and polar, with asparagine, which is neutral and polar, at codon 21 of the SAMD9L protein (p.Lys21Asn). This variant is not present in population databases (gnomAD no frequency). This variant has not been reported in the literature in individuals affected with SAMD9L-related conditions. ClinVar contains an entry for this variant (Variation ID: 1716696). An algorithm developed to predict the effect of missense changes on protein structure and function (PolyPhen-2) suggests that this variant is likely to be tolerated. In summary, the available evidence is currently insufficient to determine the role of this variant in disease. Therefore, it has been classified as a Variant of Uncertain Significance.

NM_152703.5(SAMD9L):c.63A>C (p.Lys21Asn)

Gene: SAMD9L (sterile alpha motif domain containing 9 like; minus strand). Cytogenetic location: 7q21.2.
Variant type: single nucleotide variant.
Coding change: c.63A>C on transcript NM_152703.5 (MANE Select); coding-DNA position 63, A replaced by C.
Protein change: p.Lys21Asn; replaces lysine 21 with asparagine.
Molecular consequence: missense variant.
Genome position (GRCh38, 1-based): chr7:93,135,909, T>G on the plus strand (A>C on the coding strand, the complement: SAMD9L is on the minus strand). VCF-style: chr7-93135909-T-G. GRCh37 (hg19) VCF-style: chr7-92765222-T-G.
Other names: c.63A>C, p.Lys21Asn (NM_001303496.3, NM_001303497.3, NM_001303498.3 and 5 more transcripts); short protein forms K21N.
Identifiers: ClinVar variation 1716696 (VCV001716696.5), dbSNP rs2535441807, ClinGen allele CA368206988.
Genomic context (GRCh38, chr7:93,135,909, plus strand): 5'-TTCTTCACTGAGCAGAATTTGCCCGTATTGCTCATTAATCTTAAGGTCTTCATTTACCCA[T>G]TTTTTCACATGCTCTTTGGTCCAGTCTTTAATCATTTCAGGTAGAGATACTTGTTTACTC-3'
Protein context (NP_689916.2, residues 11-31): IKDWTKEHVK[Lys21Asn]WVNEDLKINE